The following is an entry in ClinVar:

NM_022124.6(CDH23):c.1297G>A (p.Ala433Thr)

Gene: CDH23 (cadherin related 23; plus strand). Cytogenetic location: 10q22.1.
Variant type: single nucleotide variant.
Coding change: c.1297G>A on transcript NM_022124.6 (MANE Select); coding-DNA position 1297, G replaced by A.
Protein change: p.Ala433Thr; replaces alanine 433 with threonine.
Molecular consequence: missense variant.
Genome position (GRCh38, 1-based): chr10:71,646,465, G>A. VCF-style: chr10-71646465-G-A. GRCh37 (hg19) VCF-style: chr10-73406222-G-A.
Other names: c.1297G>A, p.Ala433Thr (NM_001171930.2, NM_001171931.2, NM_052836.4); short protein forms A433T.
Identifiers: ClinVar variation 1021802 (VCV001021802.6), dbSNP rs1862864574, ClinGen allele CA377127912.

ClinVar aggregate classification (germline): Uncertain significance (1 of 4 stars; one submission).

Allele frequency attached by ClinVar (database versions not stated): gnomAD exomes below 0.00001.
gnomAD v4.1: 5 of 1,613,562 alleles (0.00031%); highest among the groups gnomAD compares: Non-Finnish European, 0.00034%; no homozygotes.

Submission:

Labcorp Genetics (formerly Invitae), Labcorp
Classification: Uncertain significance. Last evaluated: 2021-08-31. Review status: criteria provided, single submitter. Criteria: Invitae Variant Classification Sherloc (09022015). Collection method: clinical testing. Allele origin: germline.
Comment: This sequence change replaces alanine with threonine at codon 433 of the CDH23 protein (p.Ala433Thr). The alanine residue is highly conserved and there is a small physicochemical difference between alanine and threonine. This variant is not present in population databases (ExAC no frequency). This variant has not been reported in the literature in individuals affected with CDH23-related conditions. Algorithms developed to predict the effect of missense changes on protein structure and function are either unavailable or do not agree on the potential impact of this missense change (SIFT: "Deleterious"; PolyPhen-2: "Not Available"; Align-GVGD: "Class C55"). In summary, the available evidence is currently insufficient to determine the role of this variant in disease. Therefore, it has been classified as a Variant of Uncertain Significance.